The following is an entry in ClinVar:

NM_004700.4(KCNQ4):c.1364A>G (p.His455Arg)

Gene: KCNQ4 (potassium voltage-gated channel subfamily Q member 4; plus strand). Cytogenetic location: 1p34.2.
Variant type: single nucleotide variant.
Coding change: c.1364A>G on transcript NM_004700.4 (MANE Select); coding-DNA position 1364, A replaced by G.
Protein change: p.His455Arg; replaces histidine 455 with arginine.
Molecular consequence: missense variant.
Genome position (GRCh38, 1-based): chr1:40,831,155, A>G. VCF-style: chr1-40831155-A-G. GRCh37 (hg19) VCF-style: chr1-41296827-A-G.
Other names: c.1202A>G, p.His401Arg (NM_172163.3); short protein forms H401R, H455R.
Identifiers: ClinVar variation 4690049 (VCV004690049.1).

ClinVar aggregate classification (germline): Uncertain significance (1 of 4 stars; one submission).

gnomAD v4.1: 3 of 1,611,676 alleles (0.00019%); highest among the groups gnomAD compares: Non-Finnish European, 0.00025%; no homozygotes.

Submission:

GeneDx
Classification: Uncertain significance. Last evaluated: 2025-07-29. Review status: criteria provided, single submitter. Criteria: GeneDx Variant Classification Process June 2021. Collection method: clinical testing. Allele origin: germline. Affected: yes.
Comment: Not observed at significant frequency in large population cohorts (gnomAD); In silico analysis suggests that this missense variant does not alter protein structure/function; Has not been previously published as pathogenic or benign to our knowledge